The following is an entry in ClinVar:

NM_017999.5(RNF31):c.409G>A (p.Gly137Arg)

Gene: RNF31 (ring finger protein 31; plus strand). Cytogenetic location: 14q12.
Variant type: single nucleotide variant.
Coding change: c.409G>A on transcript NM_017999.5 (MANE Select); coding-DNA position 409, G replaced by A.
Protein change: p.Gly137Arg; replaces glycine 137 with arginine.
Molecular consequence: missense variant. On other transcripts: 5 prime UTR variant (1).
Genome position (GRCh38, 1-based): chr14:24,148,327, G>A. VCF-style: chr14-24148327-G-A. GRCh37 (hg19) VCF-style: chr14-24617536-G-A.
Other names: c.-109G>A (NM_001310332.2); short protein forms G137R.
Identifiers: ClinVar variation 2836098 (VCV002836098.3), dbSNP rs2501991800, ClinGen allele CA389286906.
Genomic context (GRCh38, chr14:24,148,327, plus strand): 5'-GATGTGCTGCGATTATATGGCTACACAGAGGAGCAACCAGATGGGTTGAGCTTCCCCGAA[G>A]GGCAGGAGGAGCCAGATGAGCACCAGGTTGCTACAGTCACACTGGAAGTACTGCTGCTTC-3'
Protein context (NP_060469.4, residues 127-147): EQPDGLSFPE[Gly137Arg]QEEPDEHQVA

ClinVar aggregate classification (germline): Uncertain significance (1 of 4 stars; one submission).

Allele frequency attached by ClinVar (database versions not stated): gnomAD exomes below 0.00001.

Submission:

Labcorp Genetics (formerly Invitae), Labcorp
Classification: Uncertain significance. Last evaluated: 2023-02-15. Review status: criteria provided, single submitter. Criteria: Invitae Variant Classification Sherloc (09022015). Collection method: clinical testing. Allele origin: germline.
Comment: Algorithms developed to predict the effect of missense changes on protein structure and function output the following: SIFT: "Not Available"; PolyPhen-2: "Benign"; Align-GVGD: "Not Available". The arginine amino acid residue is found in multiple mammalian species, which suggests that this missense change does not adversely affect protein function. In summary, the available evidence is currently insufficient to determine the role of this variant in disease. Therefore, it has been classified as a Variant of Uncertain Significance. This variant has not been reported in the literature in individuals affected with RNF31-related conditions. This sequence change replaces glycine, which is neutral and non-polar, with arginine, which is basic and polar, at codon 137 of the RNF31 protein (p.Gly137Arg). This variant is not present in population databases (gnomAD no frequency).